The following is an entry in ClinVar:

NM_001040142.2(SCN2A):c.4907T>A (p.Ile1636Asn)

Gene: SCN2A (sodium voltage-gated channel alpha subunit 2; plus strand). Cytogenetic location: 2q24.3.
Variant type: single nucleotide variant.
Coding change: c.4907T>A on transcript NM_001040142.2 (MANE Select); coding-DNA position 4907, T replaced by A.
Protein change: p.Ile1636Asn; replaces isoleucine 1636 with asparagine.
Molecular consequence: missense variant.
Genome position (GRCh38, 1-based): chr2:165,388,713, T>A. VCF-style: chr2-165388713-T-A. GRCh37 (hg19) VCF-style: chr2-166245223-T-A.
Other names: c.4907T>A, p.Ile1636Asn (NM_001040143.2, NM_001371246.1, NM_001371247.1 and 1 more transcripts); short protein forms I1636N.
Identifiers: ClinVar variation 2028468 (VCV002028468.4), dbSNP rs2468157518, ClinGen allele CA349037764.

ClinVar aggregate classification (germline): Likely pathogenic (1 of 4 stars; one submission).

Conditions:
Seizures, benign familial infantile, 3 (BFIS3). Also called: CONVULSIONS, BENIGN FAMILIAL INFANTILE, 3; Familial neonatal seizures. Identifiers: Orphanet 140927, Orphanet 306, MedGen C1843140, MONDO:0011904, OMIM 607745.
Developmental and epileptic encephalopathy, 11 (DEE11). Also called: Early infantile epileptic encephalopathy 11. Identifiers: Orphanet 1934, MedGen C3150987, MONDO:0013388, OMIM 613721.

Submission:

Labcorp Genetics (formerly Invitae), Labcorp
Classification: Likely pathogenic for Seizures, benign familial infantile, 3; Developmental and epileptic encephalopathy, 11. Last evaluated: 2022-09-18. Review status: criteria provided, single submitter. Criteria: Invitae Variant Classification Sherloc (09022015). Collection method: clinical testing. Allele origin: germline.
Comment: This sequence change replaces isoleucine, which is neutral and non-polar, with asparagine, which is neutral and polar, at codon 1636 of the SCN2A protein (p.Ile1636Asn). In summary, the currently available evidence indicates that the variant is pathogenic, but additional data are needed to prove that conclusively. Therefore, this variant has been classified as Likely Pathogenic. This variant disrupts the p.Ile1636 amino acid residue in SCN2A. Other variant(s) that disrupt this residue have been determined to be pathogenic (PMID: 28837158, 33278787). This suggests that this residue is clinically significant, and that variants that disrupt this residue are likely to be disease-causing. Advanced modeling of protein sequence and biophysical properties (such as structural, functional, and spatial information, amino acid conservation, physicochemical variation, residue mobility, and thermodynamic stability) performed at Invitae indicates that this missense variant is expected to disrupt SCN2A protein function. This variant has not been reported in the literature in individuals affected with SCN2A-related conditions. This variant is not present in population databases (gnomAD no frequency).

Literature cited by the submitters: PubMed 28837158; PubMed 33278787.